The following is an entry in ClinVar:

NM_020338.4(ZMIZ1):c.859G>A (p.Ala287Thr)

Gene: ZMIZ1 (zinc finger MIZ-type containing 1; plus strand). Cytogenetic location: 10q22.3.
Variant type: single nucleotide variant.
Coding change: c.859G>A on transcript NM_020338.4 (MANE Select); coding-DNA position 859, G replaced by A.
Protein change: p.Ala287Thr; replaces alanine 287 with threonine.
Molecular consequence: missense variant.
Genome position (GRCh38, 1-based): chr10:79,292,258, G>A. VCF-style: chr10-79292258-G-A. GRCh37 (hg19) VCF-style: chr10-81052015-G-A.
Other names: short protein forms A287T.
Identifiers: ClinVar variation 996609 (VCV000996609.2), dbSNP rs1472883107, ClinGen allele CA377332983.
Genomic context (GRCh38, chr10:79,292,258, plus strand): 5'-CCTCCGCACACCAGGCCGCCTGCTGACTTCACTCAGCCCGCGGCAGCCGCTGCAGCAGCG[G>A]CAGTGGCAGCAGCAGCAGCCACAGCTACAGCCACAGCCACGGCCACTGTGGCAGCCCTGC-3'
Protein context (NP_065071.1, residues 277-297): TQPAAAAAAA[Ala287Thr]VAAAAATATA

ClinVar aggregate classification (germline): Uncertain significance. Review status: criteria provided, single submitter (1 of 4 stars). 2 submissions from 2 submitters: Uncertain significance (1). 1 of the submissions does not count toward it. Last evaluated 2023-06-16.

Conditions:
ZMIZ1-related disorder. Also called: ZMIZ1-related condition.
Syndromic neurodevelopmental disorder.

Submissions (2):

PreventionGenetics, part of Exact Sciences
Classification: Uncertain significance for ZMIZ1-related condition. Last evaluated: 2023-06-16. Review status: criteria provided, single submitter. Criteria: ACMG Guidelines, 2015. Collection method: clinical testing. Allele origin: germline.
Comment: The ZMIZ1 c.859G>A variant is predicted to result in the amino acid substitution p.Ala287Thr. This variant was reported de novo in an individual with a syndrome neurodevelopment disorder with features consisting of intellectual disability, abnormal behavior, congenital malformations (heart, urogenital/kidney, eye, and craniofacial dysmorphism), skeletal abnormalities (joint hypermobility, pectus deformity, and thorax) (Subject #2, Carapito et al. 2019. PubMed ID: 30639322). This variant has not been reported in a large population database, indicating this variant is rare. Although we suspect that this variant may be pathogenic, at this time, the clinical significance of this variant is uncertain due to the absence of conclusive functional and genetic evidence.

University of Washington Center for Mendelian Genomics, University of Washington
Classification: Likely pathogenic for syndromic neurodevelopmental disorder. Review status: no assertion criteria provided. Collection method: research. Allele origin: de novo. Affected: yes. Not counted in ClinVar's aggregate classification.

Literature cited by the submitters: PubMed 30639322 (cited by University of Washington Center for Mendelian Genomics, University of Washington).